The following is an entry in ClinVar:

NM_000260.4(MYO7A):c.6487G>A (p.Gly2163Ser)

Gene: MYO7A (myosin VIIA; plus strand). Cytogenetic location: 11q13.5.
Variant type: single nucleotide variant.
Coding change: c.6487G>A on transcript NM_000260.4 (MANE Select); coding-DNA position 6487, G replaced by A.
Protein change: p.Gly2163Ser; replaces glycine 2163 with serine.
Molecular consequence: missense variant.
Genome position (GRCh38, 1-based): chr11:77,213,908, G>A. VCF-style: chr11-77213908-G-A. GRCh37 (hg19) VCF-style: chr11-76924953-G-A.
Other names: c.6367G>A, p.Gly2123Ser (NM_001127180.2); c.6340G>A, p.Gly2114Ser (NM_001369365.1); short protein forms G2163S, G2123S, G2114S.
Identifiers: ClinVar variation 402267 (VCV000402267.26), dbSNP rs747656448, ClinGen allele CA6199094.

ClinVar aggregate classification (germline): Pathogenic/Likely pathogenic. Review status: criteria provided, multiple submitters, no conflicts (2 of 4 stars). 16 submissions from 16 submitters: Pathogenic (10); Likely pathogenic (4). 2 of the submissions do not count toward it. Last evaluated 2026-06-30.

Conditions:
Retinal dystrophy. Also called: Inherited retinal dystrophy. Identifiers: Orphanet 71862, MedGen C0854723, MeSH D058499, MONDO:0019118, HP:0000556.
Usher syndrome. Also called: Usher Syndromes; Usher's syndrome. Identifiers: Orphanet 886, MedGen CN469326, MeSH D052245, MONDO:0019501. Disease mechanism: loss of function.
MYO7A-related disorder. Also called: MYO7A-related disorders.
Usher syndrome type 1 (USH1). Also called: RETINITIS PIGMENTOSA AND CONGENITAL DEAFNESS. Identifiers: Orphanet 231169, Orphanet 886, MedGen C1568247, MONDO:0010168, OMIM 276900.
Autosomal dominant nonsyndromic hearing loss 11. Identifiers: Orphanet 90635, MedGen C1832475, MONDO:0011032, OMIM 601317.
Autosomal recessive nonsyndromic hearing loss 2. Also called: NEUROSENSORY NONSYNDROMIC RECESSIVE DEAFNESS 2; DEAFNESS, AUTOSOMAL RECESSIVE 2. Identifiers: Orphanet 90636, MedGen C1838701, MONDO:0010807, OMIM 600060.
Usher syndrome type 1B (USH1B). Also called: Usher syndrome type IB. Identifiers: MedGen C1848638, MONDO:0700087.

Allele frequency attached by ClinVar (database versions not stated): TOPMed below 0.00001; ExAC 0.00003; gnomAD exomes 0.00002 and 0.00001; gnomAD 0.00003 and 0.00002.
gnomAD v4.1: 19 of 1,613,938 alleles (0.0012%); highest among the groups gnomAD compares: South Asian, 0.0022%; no homozygotes.

Submissions 1 to 11 of 16:

PreventionGenetics, part of Exact Sciences
Classification: Pathogenic for MYO7A-related condition. Last evaluated: 2026-06-30. Review status: criteria provided, single submitter. Criteria: ACMG Guidelines, 2015. Collection method: clinical testing. Allele origin: germline.
Comment: The MYO7A c.6487G>A variant is predicted to result in the amino acid substitution p.Gly2163Ser. This variant has been reported in the homozygous state in numerous individuals with hearing loss (Abu Rayyan et al. 2020. PubMed ID: 32747562; Bademci et al. 2015. PubMed ID: 26226137; Ammar-Khodja et al. 2009. PubMed ID: 19375528) and was shown to segregate with autosomal recessive hearing loss in at least two families (Asgharzade et al. 2017. PubMed ID: 28451532; Shahzad et al. 2013. PubMed ID: 23770805). This variant been also reported in compound heterozygous state with a variant of uncertain significance in MYO7A in an individual with Usher syndrome (Janecke et al. 1999. PubMed ID: 10094549). It has also been reported in the homozygous state in two individuals with retinitis pigmentosa (Sahin et al. 2024. PubMed ID: 38465142). This variant is reported in 0.0047% of alleles in individuals of European (non-Finnish) descent in gnomAD. This variant is interpreted as pathogenic for autosomal recessive MYO7A related disorders.

Labcorp Genetics (formerly Invitae), Labcorp
Classification: Pathogenic. Last evaluated: 2026-01-12. Review status: criteria provided, single submitter. Criteria: Invitae Variant Classification Sherloc (09022015). Collection method: clinical testing. Allele origin: germline.
Comment: This sequence change replaces glycine, which is neutral and non-polar, with serine, which is neutral and polar, at codon 2163 of the MYO7A protein (p.Gly2163Ser). This variant is present in population databases (rs747656448, gnomAD 0.005%). This missense change has been observed in individual(s) with autosomal recessive MYO7A-related conditions (PMID: 10094549, 19375528, 19888295, 23770805, 26226137, 28451532). It has also been observed to segregate with disease in related individuals. ClinVar contains an entry for this variant (Variation ID: 402267). Invitae Evidence Modeling of protein sequence and biophysical properties (such as structural, functional, and spatial information, amino acid conservation, physicochemical variation, residue mobility, and thermodynamic stability) indicates that this missense variant is not expected to disrupt MYO7A protein function with a negative predictive value of 95%. For these reasons, this variant has been classified as Pathogenic.

OLLIN Analises Genomicas, OLLIN
Classification: Pathogenic for Usher syndrome type 1. Last evaluated: 2025-08-28. Review status: criteria provided, single submitter. Criteria: ACMG Guidelines 2015 PMID 25741868. Collection method: clinical testing. Allele origin: germline. Affected: yes. Observed: 1 variant allele.
Comment: The missense variant (chr11:77213908G>A), located in exon 48 (of 49), is reported in ClinVar (VCV000402267.21), in gnomAD v4.1 non-UKB with an allele frequency of 0.0018%, and in the scientific literature, also segregating with the phenotype, in individuals with deafness and Usher syndrome (PMID: 32747562, 38711914, 26561413, 26226137, 36164746, 19888295, 18181211, 28451532). In silico analysis is inconclusive regarding the impact of this variant. According to the currently available evidence and the specific ClinGen criteria for the gene (PMID: 34230634, 31160754), this variant has been classified as pathogenic (PS4_M, PM2_P, PM3, PP1_S, PP4).

Natera, Inc.
Classification: Likely pathogenic for Usher syndrome type 1B. Last evaluated: 2025-07-25. Review status: criteria provided, single submitter. Criteria: Natera Variant Classification Schema (03/2026). Collection method: clinical testing. Allele origin: germline.
Comment: The c.6487G>A variant in MYO7A is a missense variant predicted to cause substitution of glycine to serine at amino acid 2163. This variant is rare in the general population with a frequency below the threshold expected for the associated phenotype(s). This variant has been observed in one or more individuals affected with the associated recessive disease, as either homozygous or compound heterozygous with a second variant (PMID: 38711914, 26969326). This variant has been found together with another disease-causing variant in the same copy of the gene (PMID: 27460420). Computational prediction algorithms indicate this variant is likely to affect gene or protein function. Given the available evidence, this variant is classified as Likely Pathogenic.

Revvity Omics, Revvity
Classification: Pathogenic. Last evaluated: 2024-11-04. Review status: criteria provided, single submitter. Criteria: ACMG Guidelines, 2015. Collection method: clinical testing. Allele origin: germline.

GeneDx
Classification: Pathogenic. Last evaluated: 2024-10-29. Review status: criteria provided, single submitter. Criteria: GeneDx Variant Classification Process June 2021. Collection method: clinical testing. Allele origin: germline. Affected: yes.
Comment: Published functional studies demonstrate the p.(G2163S) variant disrupts MYO7A binding to adaptor protein harmonin, which impacts mechanotransduction of cadherin linkages between stererocilia and microvilli (PMID: 28660889); In silico analysis, which includes protein predictors and evolutionary conservation, supports a deleterious effect; This variant is associated with the following publications: (PMID: 27460420, 19375528, 12786748, 24105371, 23770805, 26561413, 19888295, 21117948, 28451532, 23226338, 26226137, 30531642, 32747562, 31964843, 38711914, 38465142, 33528536, 10094549, 28660889)

Fulgent Genetics
Classification: Pathogenic for Usher syndrome type 1; Autosomal recessive nonsyndromic hearing loss 2; Autosomal dominant nonsyndromic hearing loss 11. Last evaluated: 2024-01-02. Review status: criteria provided, single submitter. Criteria: ACMG Guidelines, 2015. Collection method: clinical testing. Allele origin: germline.

Blueprint Genetics
Classification: Pathogenic for MYO7A-related disorders. Last evaluated: 2023-08-29. Review status: criteria provided, single submitter. Criteria: ACMG Guidelines, 2015. Collection method: clinical testing. Allele origin: germline. Affected: yes. Observed: 3 variant alleles.

Women's Health and Genetics/Laboratory Corporation of America, LabCorp
Classification: Pathogenic for Usher syndrome. Last evaluated: 2023-05-02. Review status: criteria provided, single submitter. Criteria: LabCorp Variant Classification Summary - May 2015. Collection method: clinical testing. Allele origin: germline.
Comment: Variant summary: MYO7A c.6487G>A (p.Gly2163Ser) results in a non-conservative amino acid change located in the FERM domain (IPR000299) of the encoded protein sequence. Four of five in-silico tools predict a damaging effect of the variant on protein function. The variant allele was found at a frequency of 2.4e-05 in 249272 control chromosomes. c.6487G>A has been reported in the literature in multiple individuals affected with autosomal recessive non-syndromic hearing loss with evidence of familial segregation including in numerous homozygotes (examples: Shazad_2013, AbuRayyan_2020). These data indicate that the variant is very likely to be associated with disease. To our knowledge, no experimental evidence demonstrating an impact on protein function has been reported. The following publications have been ascertained in the context of this evaluation (PMID: 32747562, 23770805). Six clinical diagnostic laboratories have submitted clinical-significance assessments for this variant to ClinVar after 2014 without evidence for independent evaluation. All laboratories classified the variant as pathogenic (n=3) or likely pathogenic (n=3). Based on the evidence outlined above, the variant was classified as pathogenic.

3billion
Classification: Likely pathogenic for Autosomal recessive nonsyndromic hearing loss 2. Last evaluated: 2022-05-22. Review status: criteria provided, single submitter. Criteria: ACMG Guidelines, 2015. Collection method: clinical testing. Allele origin: germline. Affected: yes. Observed: 1 heterozygote.
Comment: The variant is observed at an extremely low frequency in the gnomAD v2.1.1 dataset (total allele frequency: 0.002%). In silico tool predictions suggest damaging effect of the variant on gene or gene product (REVEL: 0.67; 3Cnet: 0.77). Same nucleotide change resulting in same amino acid change has been previously reported as pathogenic/likely pathogenic with strong evidence (ClinVar ID: VCV000402267). Therefore, this variant is classified as likely pathogenic according to the recommendation of ACMG/AMP guideline.

King Laboratory, University of Washington
Classification: Likely pathogenic for Autosomal recessive nonsyndromic hearing loss 2. Last evaluated: 2020-08-01. Review status: criteria provided, single submitter. Criteria: Abu Rayyan A et al. (Proc Natl Acad Sci U S A 2020). Collection method: research. Allele origin: germline. Affected: yes.
Comment: MYO7A c.6487G>A, p.G2163S alters a highly conserved residue of MYO7A. The variant is homozygous in 12 Palestinian children from 6 different families with severe to profound pre-lingual hearing loss (Abu Rayyan 2020). The variant is absent from 1300 Palestinian controls and present in 7/280682 alleles on gnomAD, all heterozygotes.